The following is an entry in ClinVar:

ClinVar aggregate classification (germline): Benign/Likely benign. Review status: criteria provided, multiple submitters, no conflicts (2 of 4 stars). 5 submissions from 5 submitters: Benign (1); Likely benign (4). Last evaluated 2025-11-24.

Conditions:
Hereditary cancer-predisposing syndrome. Also called: Tumor predisposition; Neoplastic Syndromes, Hereditary; Hereditary Cancer Syndrome; Hereditary neoplastic syndrome. Identifiers: Orphanet 140162, MedGen C0027672, MeSH D009386, MONDO:0015356.
Familial cancer of breast. Also called: Hereditary breast cancer; BREAST CANCER, FAMILIAL; hereditary breast carcinoma. Identifiers: Orphanet 227535, MedGen C0346153, MONDO:0016419, OMIM 114480. Disease mechanism: loss of function.
Ataxia-telangiectasia syndrome (AT). Also called: Ataxia-telangiectasia; Cerebello-oculocutaneous telangiectasia; Immunodeficiency with ataxia telangiectasia; ATAXIA-TELANGIECTASIA, COMPLEMENTATION GROUP A; ATAXIA-TELANGIECTASIA, FRESNO VARIANT; Ataxia-telangiectasia, complementation group D. Identifiers: Orphanet 100, MedGen C0004135, MONDO:0008840, OMIM 208900.

Allele frequency attached by ClinVar (database versions not stated): TOPMed 0.00001.
gnomAD v4.1: 1 of 1,613,908 alleles (0.000062%); highest among the groups gnomAD compares: Non-Finnish European, 0.000085%; no homozygotes.

Submissions (5):

Labcorp Genetics (formerly Invitae), Labcorp
Classification: Likely benign for Ataxia-telangiectasia syndrome. Last evaluated: 2025-11-24. Review status: criteria provided, single submitter. Criteria: Invitae Variant Classification Sherloc (09022015). Collection method: clinical testing. Allele origin: germline.

Myriad Genetics, Inc.
Classification: Benign for Familial cancer of breast. Last evaluated: 2024-05-06. Review status: criteria provided, single submitter. Criteria: Myriad Autosomal Dominant, Autosomal Recessive and X-Linked Classification Criteria (2023). Collection method: clinical testing. Allele origin: unknown.
Comment: This variant is considered benign. This variant is a silent/synonymous amino acid change and it is not expected to impact splicing.

Women's Health and Genetics/Laboratory Corporation of America, LabCorp
Classification: Likely benign. Last evaluated: 2021-09-16. Review status: criteria provided, single submitter. Criteria: LabCorp Variant Classification Summary - May 2015. Collection method: clinical testing. Allele origin: germline.

Color Diagnostics, LLC DBA Color Health
Classification: Likely benign for Hereditary cancer-predisposing syndrome. Last evaluated: 2020-01-27. Review status: criteria provided, single submitter. Criteria: ACMG Guidelines, 2015. Collection method: clinical testing. Allele origin: germline.

Ambry Genetics
Classification: Likely benign for Hereditary cancer-predisposing syndrome. Last evaluated: 2017-11-27. Review status: criteria provided, single submitter. Criteria: Ambry Variant Classification Scheme 2023. Collection method: clinical testing. Allele origin: germline.

NM_000051.4(ATM):c.2058C>G (p.Leu686=)

Gene: ATM (ATM serine/threonine kinase; plus strand). Cytogenetic location: 11q22.3.
Variant type: single nucleotide variant.
Coding change: c.2058C>G on transcript NM_000051.4 (MANE Select); coding-DNA position 2058, C replaced by G.
Protein change: p.Leu686=; no amino-acid change (leucine 686 retained).
Molecular consequence: synonymous variant.
Genome position (GRCh38, 1-based): chr11:108,253,973, C>G. VCF-style: chr11-108253973-C-G. GRCh37 (hg19) VCF-style: chr11-108124700-C-G.
Other names: c.2058C>G, p.Leu686= (NM_001351834.2).
Identifiers: ClinVar variation 414609 (VCV000414609.17), dbSNP rs761397203, ClinGen allele CA16613356.